The following is an entry in ClinVar:

NM_007194.4(CHEK2):c.98C>A (p.Ser33Ter)

Gene: CHEK2 (checkpoint kinase 2; minus strand). Cytogenetic location: 22q12.1.
Variant type: single nucleotide variant.
Coding change: c.98C>A on transcript NM_007194.4 (MANE Select); coding-DNA position 98, C replaced by A.
Protein change: p.Ser33Ter; replaces serine 33 with a stop codon.
Molecular consequence: nonsense.
Genome position (GRCh38, 1-based): chr22:28,734,624, G>T on the plus strand (C>A on the coding strand, the complement: CHEK2 is on the minus strand). VCF-style: chr22-28734624-G-T. GRCh37 (hg19) VCF-style: chr22-29130612-G-T.
Other names: c.98C>A, p.Ser33Ter (NM_001005735.3, NM_001349956.3, NM_145862.3); c.-680C>A (NM_001257387.3); short protein forms S33*.
Identifiers: ClinVar variation 962516 (VCV000962516.10), dbSNP rs2054331180, ClinGen allele CA411091512.

ClinVar aggregate classification (germline): Pathogenic. Review status: criteria provided, multiple submitters, no conflicts (2 of 4 stars). 2 submissions from 2 submitters: Pathogenic (2). Last evaluated 2023-06-22.

Conditions:
Familial cancer of breast. Also called: BREAST CANCER, FAMILIAL; Hereditary breast cancer; hereditary breast carcinoma. Identifiers: Orphanet 227535, MedGen C0346153, MONDO:0016419, OMIM 114480. Disease mechanism: loss of function.

Allele frequency attached by ClinVar (database versions not stated): TOPMed below 0.00001.

Submissions (2):

Myriad Genetics, Inc.
Classification: Pathogenic for Familial cancer of breast. Last evaluated: 2023-06-22. Review status: criteria provided, single submitter. Criteria: Myriad Autosomal Dominant, Autosomal Recessive and X-Linked Classification Criteria (2023). Collection method: clinical testing. Allele origin: unknown.
Comment: This variant is considered pathogenic. This variant creates a termination codon and is predicted to result in premature protein truncation.

Labcorp Genetics (formerly Invitae), Labcorp
Classification: Pathogenic for Familial cancer of breast. Last evaluated: 2019-10-25. Review status: criteria provided, single submitter. Criteria: Invitae Variant Classification Sherloc (09022015). Collection method: clinical testing. Allele origin: germline.
Comment: For these reasons, this variant has been classified as Pathogenic. Loss-of-function variants in CHEK2 are known to be pathogenic (PMID: 21876083, 24713400). This variant has not been reported in the literature in individuals with CHEK2-related conditions. This variant is not present in population databases (ExAC no frequency). This sequence change creates a premature translational stop signal (p.Ser33*) in the CHEK2 gene. It is expected to result in an absent or disrupted protein product.

Literature cited by the submitters: PubMed 21876083 (cited by Labcorp Genetics (formerly Invitae), Labcorp); PubMed 24713400 (cited by Labcorp Genetics (formerly Invitae), Labcorp).